The following is an entry in ClinVar:

ClinVar aggregate classification (germline): Uncertain significance (1 of 4 stars; one submission).

Conditions:
DiGeorge syndrome. Also called: THIRD AND FOURTH PHARYNGEAL POUCH SYNDROME; Catch22. Identifiers: Orphanet 567, MedGen C0012236, MONDO:0008564, OMIM 188400.

Allele frequency attached by ClinVar (database versions not stated): gnomAD 0.00001; TOPMed 0.00001; ExAC 0.00003.

Submission:

Labcorp Genetics (formerly Invitae), Labcorp
Classification: Uncertain significance for DiGeorge syndrome. Last evaluated: 2023-10-13. Review status: criteria provided, single submitter. Criteria: Invitae Variant Classification Sherloc (09022015). Collection method: clinical testing. Allele origin: germline.
Comment: This sequence change replaces histidine, which is basic and polar, with arginine, which is basic and polar, at codon 413 of the TBX1 protein (p.His413Arg). The frequency data for this variant in the population databases is considered unreliable, as metrics indicate poor data quality at this position in the gnomAD database. This variant has not been reported in the literature in individuals affected with TBX1-related conditions. An algorithm developed to predict the effect of missense changes on protein structure and function (PolyPhen-2) suggests that this variant is likely to be disruptive. In summary, the available evidence is currently insufficient to determine the role of this variant in disease. Therefore, it has been classified as a Variant of Uncertain Significance.

NM_001379200.1(TBX1):c.1265A>G (p.His422Arg)

Gene: TBX1 (T-box transcription factor 1; plus strand). Cytogenetic location: 22q11.21.
Variant type: single nucleotide variant.
Coding change: c.1265A>G on transcript NM_001379200.1 (MANE Select); coding-DNA position 1265, A replaced by G.
Protein change: p.His422Arg; replaces histidine 422 with arginine.
Molecular consequence: missense variant. On other transcripts: intron variant (2).
Genome position (GRCh38, 1-based): chr22:19,766,617, A>G. VCF-style: chr22-19766617-A-G. GRCh37 (hg19) VCF-style: chr22-19754140-A-G.
Other names: c.1238A>G, p.His413Arg (NM_080647.1); c.1009+615A>G (NM_005992.1, NM_080646.2); short protein forms H413R, H422R.
Identifiers: ClinVar variation 2861233 (VCV002861233.3), dbSNP rs774028490, ClinGen allele CA10102692.